The following is an entry in ClinVar:

NM_033380.3(COL4A5):c.2633G>A (p.Gly878Glu)

Gene: COL4A5 (collagen type IV alpha 5 chain; plus strand). Cytogenetic location: Xq22.3.
Variant type: single nucleotide variant.
Coding change: c.2633G>A on transcript NM_033380.3 (MANE Select); coding-DNA position 2633, G replaced by A.
Protein change: p.Gly878Glu; replaces glycine 878 with glutamic acid.
Molecular consequence: missense variant.
Genome position (GRCh38, 1-based): chrX:108,620,382, G>A. VCF-style: chrX-108620382-G-A. GRCh37 (hg19) VCF-style: chrX-107863612-G-A.
Other names: c.2633G>A, p.Gly878Glu (NM_000495.5); short protein forms G878E.
Identifiers: ClinVar variation 968858 (VCV000968858.13), dbSNP rs104886199, ClinGen allele CA413851575.
Genomic context (GRCh38, chrX:108,620,382, plus strand): 5'-CCCCAGGTGAAAGAGGCAGTCCAGGGATCCCCGGAGCACCTGGTCCTATAGGACCTCCAG[G>A]ATCACCAGGGCTTCCAGGAAAAGCAGGTGCCTCTGGATTTCCAGGTAATTTGTTTAAAGT-3'
Protein context (NP_203699.1, residues 868-888): PGAPGPIGPP[Gly878Glu]SPGLPGKAGA

ClinVar aggregate classification (germline): Pathogenic. Review status: criteria provided, multiple submitters, no conflicts (2 of 4 stars). 3 submissions from 3 submitters: Pathogenic (2). 1 of the submissions does not count toward it. Last evaluated 2021-07-07.

Conditions:
Alport syndrome. Also called: Hemorrhagic familial nephritis; Hemorrhagic hereditary nephritis; Congenital hereditary hematuria. Identifiers: Orphanet 63, MedGen C1567741, MONDO:0018965.
X-linked Alport syndrome (ATS1). Also called: NEPHROPATHY AND DEAFNESS, X-LINKED; COL4A5-Related Nephropathy. Identifiers: Orphanet 63, Orphanet 88917, MedGen C4746986, MONDO:0010520, OMIM 301050.

Submissions (3):

Fulgent Genetics
Classification: Pathogenic for X-linked Alport syndrome. Last evaluated: 2021-07-07. Review status: criteria provided, single submitter. Criteria: ACMG Guidelines, 2015. Collection method: clinical testing. Allele origin: unknown.

Labcorp Genetics (formerly Invitae), Labcorp
Classification: Pathogenic. Last evaluated: 2019-10-22. Review status: criteria provided, single submitter. Criteria: Invitae Variant Classification Sherloc (09022015). Collection method: clinical testing. Allele origin: germline.
Comment: Glycine residues within the Gly-Xaa-Yaa repeats of the triple helix domain are required for the structure and stability of fibrillar collagens (PMID: 7695699, 8218237, 19344236). In COL4A5, missense variants at these glycine residues are significantly enriched in individuals with disease (PMID: 23720012, 27627812) compared to the general population (ExAC). For these reasons, this variant has been classified as Pathogenic. This variant has been observed in several individuals affected with Alport syndrome (PMID: 28542346, Invitae). This variant is not present in population databases (ExAC no frequency). This sequence change replaces glycine with glutamic acid at codon 878 of the COL4A5 protein (p.Gly878Glu). The glycine residue is highly conserved and there is a moderate physicochemical difference between glycine and glutamic acid.

Sydney Genome Diagnostics, Children's Hospital Westmead
Classification: Likely pathogenic for Alport syndrome. Last evaluated: 2017-10-10. Review status: no assertion criteria provided. Collection method: clinical testing. Allele origin: unknown. Affected: yes. Observed: 1 variant allele, 1 hemizygote. Not counted in ClinVar's aggregate classification.
Comment: The c.2633G>A variant has not been reported in any population databases (i.e. ExAC, ESP or dbSNP). This variant results in substitution of one of the invariant glycine residues within the triple helical domain of the alpha 5 chain of type IV collagen. This variant is considered to likely pathogenic according to the ACMG guidelines.

Literature cited by the submitters: PubMed 7695699 (cited by Labcorp Genetics (formerly Invitae), Labcorp); PubMed 8218237 (cited by Labcorp Genetics (formerly Invitae), Labcorp); PubMed 19344236 (cited by Labcorp Genetics (formerly Invitae), Labcorp); PubMed 23720012 (cited by Labcorp Genetics (formerly Invitae), Labcorp); PubMed 27627812 (cited by Labcorp Genetics (formerly Invitae), Labcorp); PubMed 28542346 (cited by Labcorp Genetics (formerly Invitae), Labcorp).